The following is an entry in ClinVar:

NM_005604.4(POU3F2):c.762G>T (p.Ala254=)

Gene: POU3F2 (POU class 3 homeobox 2; plus strand). Cytogenetic location: 6q16.1.
Variant type: single nucleotide variant.
Coding change: c.762G>T on transcript NM_005604.4 (MANE Select); coding-DNA position 762, G replaced by T.
Protein change: p.Ala254=; no amino-acid change (alanine 254 retained).
Molecular consequence: synonymous variant.
Genome position (GRCh38, 1-based): chr6:98,835,635, G>T. VCF-style: chr6-98835635-G-T. GRCh37 (hg19) VCF-style: chr6-99283511-G-T.
Identifiers: ClinVar variation 4873960 (VCV004873960.2).

ClinVar aggregate classification (germline): Likely benign (1 of 4 stars; one submission).

gnomAD v4.1: 3 of 1,612,756 alleles (0.00019%); highest among the groups gnomAD compares: Non-Finnish European, 0.00025%; no homozygotes.

Submission:

CeGaT Center for Human Genetics Tuebingen
Classification: Likely benign. Last evaluated: 2026-06-01. Review status: criteria provided, single submitter. Criteria: CeGaT Center For Human Genetics Tuebingen Variant Classification Criteria Version 2. Collection method: clinical testing. Allele origin: germline. Affected: yes. Observed: 1 variant allele.
Comment: POU3F2: BP4, BP7